The following is an entry in ClinVar:

ClinVar aggregate classification (germline): Uncertain significance (1 of 4 stars; one submission).

Conditions:
Inborn genetic diseases. Identifiers: MedGen C0950123, MeSH D030342.

gnomAD v4.1: 6 of 1,571,806 alleles (0.00038%); highest among the groups gnomAD compares: South Asian, 0.0069%; no homozygotes.

Submission:

Ambry Genetics
Classification: Uncertain significance for Inborn genetic diseases. Last evaluated: 2025-03-05. Review status: criteria provided, single submitter. Criteria: Ambry Variant Classification Scheme 2023. Collection method: clinical testing. Allele origin: germline.
Comment: The p.S16L variant (also known as c.47C>T), located in coding exon 1 of the SH2B3 gene, results from a C to T substitution at nucleotide position 47. The serine at codon 16 is replaced by leucine, an amino acid with dissimilar properties. This amino acid position is conserved. In addition, this alteration is predicted to be tolerated by in silico analysis. Based on the available evidence, the clinical significance of this variant remains unclear.

NM_005475.3(SH2B3):c.47C>T (p.Ser16Leu)

Gene: SH2B3 (SH2B adaptor protein 3; plus strand). Cytogenetic location: 12q24.12.
Variant type: single nucleotide variant.
Coding change: c.47C>T on transcript NM_005475.3 (MANE Select); coding-DNA position 47, C replaced by T.
Protein change: p.Ser16Leu; replaces serine 16 with leucine.
Molecular consequence: missense variant.
Genome position (GRCh38, 1-based): chr12:111,418,192, C>T. VCF-style: chr12-111418192-C-T. GRCh37 (hg19) VCF-style: chr12-111855996-C-T.
Other names: short protein forms S16L.
Identifiers: ClinVar variation 3795235 (VCV003795235.1).